The following is an entry in ClinVar:

ClinVar aggregate classification (germline): Likely pathogenic. Review status: criteria provided, multiple submitters, no conflicts (2 of 4 stars). 3 submissions from 3 submitters: Likely pathogenic (2). 1 of the submissions does not count toward it. Last evaluated 2026-02-04.

Conditions:
Xeroderma pigmentosum group A (XPA). Also called: Xeroderma pigmentosum, complementation group A; XP, group A; XPA-Related Xeroderma Pigmentosum. Identifiers: Orphanet 910, MedGen C0268135, MONDO:0010210, OMIM 278700.

Submissions (3):

Myriad Genetics, Inc.
Classification: Likely pathogenic for Xeroderma pigmentosum group A. Last evaluated: 2026-02-04. Review status: criteria provided, single submitter. Criteria: Myriad Autosomal Dominant, Autosomal Recessive and X-Linked Classification Criteria (2023). Collection method: clinical testing. Allele origin: unknown.
Comment: NM_000380.3(XPA):c.172+1G>A is a variant in a canonical splice site classified as likely pathogenic in the context of xeroderma pigmentosum group A. c.172+1G>A has not been observed in cases with relevant disease. Relevant functional assessments of this variant are not available in the literature. c.172+1G>A has not been observed in referenced population frequency databases. In summary, NM_000380.3(XPA):c.172+1G>A is a variant in a canonical splice site in a gene where loss of function is a known mechanism of disease and is predicted to disrupt protein function. Please note: this variant was assessed in the context of healthy population screening.

Labcorp Genetics (formerly Invitae), Labcorp
Classification: Likely pathogenic. Last evaluated: 2021-03-16. Review status: criteria provided, single submitter. Criteria: Invitae Variant Classification Sherloc (09022015). Collection method: clinical testing. Allele origin: germline.
Comment: In summary, the currently available evidence indicates that the variant is pathogenic, but additional data are needed to prove that conclusively. Therefore, this variant has been classified as Likely Pathogenic. Algorithms developed to predict the effect of sequence changes on RNA splicing suggest that this variant may disrupt the consensus splice site, but this prediction has not been confirmed by published transcriptional studies. This variant has not been reported in the literature in individuals with XPA-related conditions. ClinVar contains an entry for this variant (Variation ID: 552016). The frequency data for this variant in the population databases is considered unreliable, as metrics indicate insufficient coverage at this position in the ExAC database. This sequence change affects a donor splice site in intron 1 of the XPA gene. It is expected to disrupt RNA splicing. Variants that disrupt the donor or acceptor splice site typically lead to a loss of protein function (PMID: 16199547), and loss-of-function variants in XPA are known to be pathogenic (PMID: 27607234).

Counsyl
Classification: Likely pathogenic for Xeroderma pigmentosum group A. Last evaluated: 2017-05-19. Review status: no assertion criteria provided. Collection method: clinical testing. Allele origin: unknown. Not counted in ClinVar's aggregate classification.

Literature cited by the submitters: PubMed 16199547 (cited by Labcorp Genetics (formerly Invitae), Labcorp); PubMed 27607234 (cited by Labcorp Genetics (formerly Invitae), Labcorp).

NM_000380.4(XPA):c.172+1G>A

Gene: XPA (XPA, DNA damage recognition and repair factor; minus strand). Cytogenetic location: 9q22.33.
Variant type: single nucleotide variant.
Coding change: c.172+1G>A on transcript NM_000380.4 (MANE Select); the canonical splice donor site of the intron after coding-DNA position 172, G replaced by A.
Molecular consequence: splice donor variant. On other transcripts: 5 prime UTR variant (1).
Genome position (GRCh38, 1-based): chr9:97,697,120, C>T on the plus strand (G>A on the coding strand, the complement: XPA is on the minus strand). VCF-style: chr9-97697120-C-T. GRCh37 (hg19) VCF-style: chr9-100459402-C-T.
Other names: c.-977G>A (NM_001354975.2).
Identifiers: ClinVar variation 552016 (VCV000552016.11), dbSNP rs1554703119, ClinGen allele CA374188340.